The following is an entry in ClinVar:

NM_000455.5(STK11):c.558C>T (p.Thr186=)

Gene: STK11 (serine/threonine kinase 11; plus strand). Cytogenetic location: 19p13.3.
Variant type: single nucleotide variant.
Coding change: c.558C>T on transcript NM_000455.5 (MANE Select); coding-DNA position 558, C replaced by T.
Protein change: p.Thr186=; no amino-acid change (threonine 186 retained).
Molecular consequence: synonymous variant.
Genome position (GRCh38, 1-based): chr19:1,220,466, C>T. VCF-style: chr19-1220466-C-T. GRCh37 (hg19) VCF-style: chr19-1220465-C-T.
Identifiers: ClinVar variation 412534 (VCV000412534.27), dbSNP rs749563734, ClinGen allele CA048092.

ClinVar aggregate classification (germline): Benign/Likely benign. Review status: criteria provided, multiple submitters, no conflicts (2 of 4 stars). 11 submissions from 11 submitters: Benign (2); Likely benign (9). Last evaluated 2026-01-31.

Conditions:
Peutz-Jeghers syndrome (PJS). Also called: POLYPOSIS, HAMARTOMATOUS INTESTINAL; POLYPS-AND-SPOTS SYNDROME; Peutz-Jeghers polyposis; Periorificial lentiginosis syndrome. Identifiers: Orphanet 2869, MedGen C0031269, MeSH D010580, MONDO:0008280, OMIM 175200.
Hereditary cancer-predisposing syndrome. Also called: Hereditary neoplastic syndrome; Neoplastic Syndromes, Hereditary; Tumor predisposition; Hereditary Cancer Syndrome. Identifiers: Orphanet 140162, MedGen C0027672, MeSH D009386, MONDO:0015356.
Carcinoma of pancreas. Also called: Exocrine pancreatic carcinoma; PANCREATIC ACINAR CARCINOMA; PANCREATIC CARCINOMA; Pancreatic cancer, somatic; Pancreatic carcinoma, somatic. Identifiers: Orphanet 1333, Orphanet 217074, MedGen C0235974, MONDO:0005192. Disease mechanism: loss of function.
Melanoma, cutaneous malignant, susceptibility to, 1 (CMM1). Also called: MELANOMA, MALIGNANT; DYSPLASTIC NEVUS SYNDROME, HEREDITARY; FAMILIAL ATYPICAL MOLE-MALIGNANT MELANOMA SYNDROME; B-K MOLE SYNDROME. Identifiers: Orphanet 618, MedGen C1835047, MONDO:0007963, OMIM 155600.
Germ cell tumor of testis (TGCT). Also called: GERM CELL TUMOR, SOMATIC; Testicular germ cell tumor. Identifiers: Orphanet 363504, MedGen C1336708, MONDO:0010108, OMIM 273300.

Allele frequency attached by ClinVar (database versions not stated): TOPMed 0.00002.
gnomAD v4.1: 19 of 1,606,896 alleles (0.0012%); highest among the groups gnomAD compares: African/African-American, 0.0027%; no homozygotes.

Submissions (11):

Labcorp Genetics (formerly Invitae), Labcorp
Classification: Likely benign for Peutz-Jeghers syndrome. Last evaluated: 2026-01-31. Review status: criteria provided, single submitter. Criteria: Invitae Variant Classification Sherloc (09022015). Collection method: clinical testing. Allele origin: germline.

Myriad Genetics, Inc.
Classification: Benign for Peutz-Jeghers syndrome. Last evaluated: 2025-03-26. Review status: criteria provided, single submitter. Criteria: Myriad Autosomal Dominant, Autosomal Recessive and X-Linked Classification Criteria (2023). Collection method: clinical testing. Allele origin: unknown.
Comment: This variant is considered benign. This variant is a silent/synonymous amino acid change and it is not expected to impact splicing.

All of Us Research Program, National Institutes of Health
Classification: Likely benign for Peutz-Jeghers syndrome. Last evaluated: 2024-02-05. Review status: criteria provided, single submitter. Criteria: ACMG Guidelines, 2015. Collection method: clinical testing. Allele origin: germline. Inheritance: Autosomal dominant inheritance. Observed: 3 variant alleles, 3 heterozygotes.
Comment: This study involves interpretation of variants in research participants for the purpose of population health screening. Participant phenotype was not available at the time of variant classification. Additional details can be found in publication PMID: 35346344, PMCID: PMC8962531

KCCC/NGS Laboratory, Kuwait Cancer Control Center
Classification: Likely benign for Peutz-Jeghers syndrome. Last evaluated: 2023-07-07. Review status: criteria provided, single submitter. Criteria: ACMG Guidelines, 2015. Collection method: clinical testing. Allele origin: germline. Affected: yes.

Sema4
Classification: Likely benign for Hereditary cancer-predisposing syndrome. Last evaluated: 2022-03-09. Review status: criteria provided, single submitter. Criteria: Sema4 Curation Guidelines. Collection method: curation. Allele origin: germline.

Fulgent Genetics
Classification: Likely benign for Melanoma, cutaneous malignant, susceptibility to, 1; Peutz-Jeghers syndrome; Familial pancreatic carcinoma; Germ cell tumor of testis. Last evaluated: 2021-11-03. Review status: criteria provided, single submitter. Criteria: ACMG Guidelines, 2015. Collection method: clinical testing. Allele origin: unknown.

Genome-Nilou Lab
Classification: Likely benign for Peutz-Jeghers syndrome. Last evaluated: 2021-07-15. Review status: criteria provided, single submitter. Criteria: ACMG Guidelines, 2015. Collection method: clinical testing. Allele origin: germline. Affected: no.

Women's Health and Genetics/Laboratory Corporation of America, LabCorp
Classification: Likely benign. Last evaluated: 2019-08-29. Review status: criteria provided, single submitter. Criteria: LabCorp Variant Classification Summary - May 2015. Collection method: clinical testing. Allele origin: germline.

Color Diagnostics, LLC DBA Color Health
Classification: Likely benign for Hereditary cancer-predisposing syndrome. Last evaluated: 2017-09-05. Review status: criteria provided, single submitter. Criteria: ACMG Guidelines, 2015. Collection method: clinical testing. Allele origin: germline.

GeneDx
Classification: Benign. Last evaluated: 2015-03-03. Review status: criteria provided, single submitter. Criteria: GeneDx Variant Classification Process June 2021. Collection method: clinical testing. Allele origin: germline. Affected: yes.

Ambry Genetics
Classification: Likely benign for Hereditary cancer-predisposing syndrome. Last evaluated: 2014-10-13. Review status: criteria provided, single submitter. Criteria: Ambry Variant Classification Scheme 2023. Collection method: clinical testing. Allele origin: germline.